The following is an entry in ClinVar:

NM_183357.3(ADCY5):c.324_360del (p.Asp109fs)

Gene: ADCY5 (adenylate cyclase 5; minus strand). Cytogenetic location: 3q21.1.
Variant type: Deletion.
Coding change: c.324_360del on transcript NM_183357.3 (MANE Select); coding-DNA positions 324 to 360, 37 bases deleted.
Protein change: p.Asp109fs; shifts the reading frame from aspartic acid 109.
Molecular consequence: frameshift variant.
Genome position (GRCh38, 1-based): chr3:123,448,186-123,448,222, 37 bases deleted; deleting any 37 consecutive bases within chr3:123,448,186-123,448,229 gives the same sequence; the c. name uses the placement nearest the transcript's 3' end. GRCh37 (hg19): chr3:123,167,040-123,167,076.
Other names: c.324_360del, p.Asp109fs (NM_001378259.1); short protein forms D109fs.
Identifiers: ClinVar variation 4806542 (VCV004806542.1).
Genomic context (GRCh38, chr3:123,448,185, plus strand): 5'-CCGCCGAGCCGCCGCCGCCGCCCGCAGGGGGCGCCCGGGTGCTGCCCCCGCTGGCCGCGC[CCCGCCGCTGCCGGCGGCTGCCGCGACCGCAGTCGTCG>C]CCGCCGCGCTCCTGCCAGGCGGACTTGGAGCGGAAGCTGAAGCCGAAGCCCCCGGCCAGG-3'

ClinVar aggregate classification (germline): Pathogenic (1 of 4 stars; one submission).

Submission:

Labcorp Genetics (formerly Invitae), Labcorp
Classification: Pathogenic. Last evaluated: 2025-04-28. Review status: criteria provided, single submitter. Criteria: Invitae Variant Classification Sherloc (09022015). Collection method: clinical testing. Allele origin: germline.
Comment: This sequence change creates a premature translational stop signal (p.Asp109Alafs*117) in the ADCY5 gene. It is expected to result in an absent or disrupted protein product. Loss-of-function variants in ADCY5 are known to be pathogenic (PMID: 28971144, 34631954). The frequency data for this variant in the population databases is considered unreliable, as metrics indicate insufficient coverage at this position in the gnomAD database. This variant has not been reported in the literature in individuals affected with ADCY5-related conditions. For these reasons, this variant has been classified as Pathogenic.

Literature cited by the submitters: PubMed 28971144; PubMed 34631954.